The following is an entry in ClinVar:

NC_000020.10:g.(?_25300815)_(25300974_?)del

Gene: ABHD12 (abhydrolase domain containing 12, lysophospholipase; minus strand). Cytogenetic location: 20p11.21.
Variant type: Deletion.
Identifiers: ClinVar variation 2423574 (VCV002423574.4).

ClinVar aggregate classification (germline): Pathogenic (1 of 4 stars; one submission).

Submission:

Labcorp Genetics (formerly Invitae), Labcorp
Classification: Pathogenic. Last evaluated: 2022-02-08. Review status: criteria provided, single submitter. Criteria: Invitae Variant Classification Sherloc (09022015). Collection method: clinical testing. Allele origin: germline.
Comment: For these reasons, this variant has been classified as Pathogenic. This variant has not been reported in the literature in individuals affected with ABHD12-related conditions. This variant is a gross deletion of the genomic region encompassing exon(s) 4 of the ABHD12 gene. This deletion is expected to create a premature termination codon and result in an absent or disrupted protein product. Loss-of-function variants in ABHD12 are known to be pathogenic (PMID: 20797687).

Literature cited by the submitters: PubMed 20797687.